The following is an entry in ClinVar:

ClinVar aggregate classification (germline): Uncertain significance. Review status: criteria provided, multiple submitters, no conflicts (2 of 4 stars). 2 submissions from 2 submitters: Uncertain significance (2). Last evaluated 2025-01-13.

Conditions:
Cystic fibrosis (CF). Also called: MUCOVISCIDOSIS. Identifiers: Orphanet 586, MedGen C0010674, MONDO:0009061, OMIM 219700. Disease mechanism: loss of function.

Submissions (2):

Ambry Genetics
Classification: Uncertain significance for Cystic fibrosis. Last evaluated: 2025-01-13. Review status: criteria provided, single submitter. Criteria: Ambry Variant Classification Scheme 2023. Collection method: clinical testing. Allele origin: germline.
Comment: The p.S495C variant (also known as c.1484C>G), located in coding exon 11 of the CFTR gene, results from a C to G substitution at nucleotide position 1484. The serine at codon 495 is replaced by cysteine, an amino acid with dissimilar properties. This amino acid position is conserved. In addition, this alteration is predicted to be deleterious by in silico analysis. Since supporting evidence is limited at this time, the clinical significance of this alteration remains unclear.

Labcorp Genetics (formerly Invitae), Labcorp
Classification: Uncertain significance for Cystic fibrosis. Last evaluated: 2022-08-28. Review status: criteria provided, single submitter. Criteria: Invitae Variant Classification Sherloc (09022015). Collection method: clinical testing. Allele origin: germline.
Comment: This sequence change replaces serine, which is neutral and polar, with cysteine, which is neutral and slightly polar, at codon 495 of the CFTR protein (p.Ser495Cys). This variant is not present in population databases (gnomAD no frequency). This variant has not been reported in the literature in individuals affected with CFTR-related conditions. Algorithms developed to predict the effect of missense changes on protein structure and function are either unavailable or do not agree on the potential impact of this missense change (SIFT: "Tolerated"; PolyPhen-2: "Possibly Damaging"; Align-GVGD: "Class C15"). In summary, the available evidence is currently insufficient to determine the role of this variant in disease. Therefore, it has been classified as a Variant of Uncertain Significance.

NM_000492.4(CFTR):c.1484C>G (p.Ser495Cys)

Genes: CFTR (CF transmembrane conductance regulator; plus strand), CFTR-AS1 (CFTR antisense RNA 1; minus strand). Cytogenetic location: 7q31.2.
Variant type: single nucleotide variant.
Coding change: c.1484C>G on transcript NM_000492.4 (MANE Select); coding-DNA position 1484, C replaced by G.
Protein change: p.Ser495Cys; replaces serine 495 with cysteine.
Molecular consequence: missense variant.
Genome position (GRCh38, 1-based): chr7:117,559,555, C>G. VCF-style: chr7-117559555-C-G. GRCh37 (hg19) VCF-style: chr7-117199609-C-G.
Other names: short protein forms S495C.
Identifiers: ClinVar variation 1773634 (VCV001773634.5), dbSNP rs906983070, ClinGen allele CA368984567.
Genomic context (GRCh38, chr7:117,559,555, plus strand): 5'-TGGAGCCTTCAGAGGGTAAAATTAAGCACAGTGGAAGAATTTCATTCTGTTCTCAGTTTT[C>G]CTGGATTATGCCTGGCACCATTAAAGAAAATATCATCTTTGGTGTTTCCTATGATGAATA-3'
Protein context (NP_000483.3, residues 485-505): SGRISFCSQF[Ser495Cys]WIMPGTIKEN